The following is an entry in ClinVar:

NM_004656.4(BAP1):c.1983+4G>T

Gene: BAP1 (BRCA1 associated deubiquitinase 1; minus strand). Cytogenetic location: 3p21.1.
Variant type: single nucleotide variant.
Coding change: c.1983+4G>T on transcript NM_004656.4 (MANE Select); 4 bases into the intron after coding-DNA position 1983, G replaced by T.
Molecular consequence: intron variant.
Genome position (GRCh38, 1-based): chr3:52,402,775, C>A on the plus strand (G>T on the coding strand, the complement: BAP1 is on the minus strand). VCF-style: chr3-52402775-C-A. GRCh37 (hg19) VCF-style: chr3-52436791-C-A.
Other names: c.1929+4G>T (NM_001410772.1).
Identifiers: ClinVar variation 3818796 (VCV003818796.1).

ClinVar aggregate classification (germline): Uncertain significance (1 of 4 stars; one submission).

Conditions:
Hereditary cancer-predisposing syndrome. Also called: Hereditary neoplastic syndrome; Neoplastic Syndromes, Hereditary; Tumor predisposition; Hereditary Cancer Syndrome. Identifiers: Orphanet 140162, MedGen C0027672, MeSH D009386, MONDO:0015356.

Submission:

Ambry Genetics
Classification: Uncertain significance for Hereditary cancer-predisposing syndrome. Last evaluated: 2024-12-17. Review status: criteria provided, single submitter. Criteria: Ambry Variant Classification Scheme 2023. Collection method: clinical testing. Allele origin: germline.
Comment: The c.1983+4G>T intronic variant results from a G to T substitution 4 nucleotides after coding exon 15 in the BAP1 gene. This nucleotide position is not well conserved in available vertebrate species. In silico splice site analysis predicts that this alteration will not have any significant effect on splicing. Based on the available evidence, the clinical significance of this variant remains unclear.